The following is an entry in ClinVar:

ClinVar aggregate classification (germline): Uncertain significance (1 of 4 stars; one submission).

Conditions:
Emery-Dreifuss muscular dystrophy (EDMD). Also called: Scapuloperoneal syndrome, X-linked (formerly); Humeroperoneal neuromuscular disease, (formerly). Identifiers: Orphanet 261, MedGen C0410189, MONDO:0016830.

Allele frequency attached by ClinVar (database versions not stated): TOPMed below 0.00001.

Submission:

Labcorp Genetics (formerly Invitae), Labcorp
Classification: Uncertain significance for Emery-Dreifuss muscular dystrophy. Last evaluated: 2021-09-14. Review status: criteria provided, single submitter. Criteria: Invitae Variant Classification Sherloc (09022015). Collection method: clinical testing. Allele origin: germline.
Comment: Algorithms developed to predict the effect of missense changes on protein structure and function are either unavailable or do not agree on the potential impact of this missense change (SIFT: "Deleterious"; PolyPhen-2: "Benign"; Align-GVGD: "Class C0"). In summary, the available evidence is currently insufficient to determine the role of this variant in disease. Therefore, it has been classified as a Variant of Uncertain Significance. This variant has not been reported in the literature in individuals affected with SUN2-related conditions. This sequence change replaces alanine with serine at codon 184 of the SUN2 protein (p.Ala184Ser). The alanine residue is weakly conserved and there is a moderate physicochemical difference between alanine and serine. This variant is not present in population databases (ExAC no frequency).

NM_015374.3(SUN2):c.550G>T (p.Ala184Ser)

Gene: SUN2 (Sad1 and UNC84 domain containing 2; minus strand). Cytogenetic location: 22q13.1.
Variant type: single nucleotide variant.
Coding change: c.550G>T on transcript NM_015374.3 (MANE Select); coding-DNA position 550, G replaced by T.
Protein change: p.Ala184Ser; replaces alanine 184 with serine.
Molecular consequence: missense variant.
Genome position (GRCh38, 1-based): chr22:38,749,830, C>A on the plus strand (G>T on the coding strand, the complement: SUN2 is on the minus strand). VCF-style: chr22-38749830-C-A. GRCh37 (hg19) VCF-style: chr22-39145835-C-A.
Other names: c.613G>T, p.Ala205Ser (NM_001199579.2); c.550G>T, p.Ala184Ser (NM_001199580.2); short protein forms A205S, A184S.
Identifiers: ClinVar variation 1034638 (VCV001034638.6), dbSNP rs2092930608, ClinGen allele CA411586240.
Genomic context (GRCh38, chr22:38,749,830, plus strand): 5'-TTAAAACGAAGACGTCAAGGAGGGAGGCAGCTGTGGTCAGGCGGTACCAGGTGGTGCCAG[C>A]CCACCAGTAGAGAAGTCTGAAGAGCCGGCCTGGAAGAATGACCATCAAGCCGAAGGCTCC-3'
Protein context (NP_056189.1, residues 174-194): GRLFRLLYWW[Ala184Ser]GTTWYRLTTA